The following is an entry in ClinVar:

NM_206933.4(USH2A):c.2994-10T>G

Genes: USH2A (usherin; minus strand), USH2A-AS1 (USH2A antisense RNA 1; plus strand). Cytogenetic location: 1q41.
Variant type: single nucleotide variant.
Coding change: c.2994-10T>G on transcript NM_206933.4 (MANE Select); 10 bases into the intron before coding-DNA position 2994, T replaced by G.
Molecular consequence: intron variant.
Genome position (GRCh38, 1-based): chr1:216,217,560, A>C on the plus strand (T>G on the coding strand, the complement: USH2A is on the minus strand). VCF-style: chr1-216217560-A-C. GRCh37 (hg19) VCF-style: chr1-216390902-A-C.
Other names: c.2994-10T>G (NM_007123.6).
Identifiers: ClinVar variation 380299 (VCV000380299.12), dbSNP rs748702655, ClinGen allele CA1396106.
Genomic context (GRCh38, chr1:216,217,560, plus strand): 5'-TGACAGGTTTCATTCAAGGCTCCTGAGAGATGACAATTACAAGGCTGACATCTGAAAACA[A>C]GGCAAATAAACCATCAAAGAGAATAGTGTTTTGATTAATAATTCATAGTATAAGTTACAC-3'

ClinVar aggregate classification (germline): Conflicting classifications of pathogenicity. Review status: criteria provided, conflicting classifications (1 of 4 stars). 5 submissions from 4 submitters: Uncertain significance (1); Likely benign (4). Last evaluated 2025-01-10.

Conditions:
Usher syndrome type 2A. Also called: RETINAL DISEASE IN USHER SYNDROME TYPE IIA, MODIFIER OF; USHER SYNDROME, TYPE IIA. Identifiers: Orphanet 231178, Orphanet 886, MedGen C1848634, MONDO:0010169, OMIM 276901.
Retinitis pigmentosa 39 (RP39). Identifiers: Orphanet 791, MedGen C3151138, MONDO:0013436, OMIM 613809.

Allele frequency attached by ClinVar (database versions not stated): gnomAD exomes below 0.00001; ExAC 0.00001.

Submissions (5):

Women's Health and Genetics/Laboratory Corporation of America, LabCorp
Classification: Uncertain significance. Last evaluated: 2025-01-10. Review status: criteria provided, single submitter. Criteria: LabCorp Variant Classification Summary - May 2015. Collection method: clinical testing. Allele origin: germline.
Comment: Variant summary: USH2A c.2994-10T>G alters a conserved nucleotide located at a position not widely known to affect splicing. Several computational tools predict a significant impact on normal splicing: two predict the variant weakens the 3' acceptor site, while two predict no significant impact on splicing. A minigene assay showed partial splice-effect (partial skipping of exon 15) (Reurink_2022), however the in vivo relevance of these findings is unclear. The variant allele was found at a frequency of 4e-06 in 249640 control chromosomes (gnomAD). The available data on variant occurrences in the general population are insufficient to allow any conclusion about variant significance. The variant, c.2994-10T>G, has been reported in the literature in at least one individual affected with retinal disease (Reurink_2022 through LOVD). These data do not allow any conclusion about variant significance. The following publication have been ascertained in the context of this evaluation (PMID: 36362125). ClinVar contains an entry for this variant (Variation ID: 380299). Based on the evidence outlined above, the variant was classified as uncertain significance.

Genome-Nilou Lab
Classification: Likely benign for Retinitis pigmentosa 39. Last evaluated: 2023-04-11. Review status: criteria provided, single submitter. Criteria: ACMG Guidelines, 2015. Collection method: clinical testing. Allele origin: germline. Affected: no.

Genome-Nilou Lab
Classification: Likely benign for Usher syndrome type 2A. Last evaluated: 2023-04-11. Review status: criteria provided, single submitter. Criteria: ACMG Guidelines, 2015. Collection method: clinical testing. Allele origin: germline. Affected: no.

Labcorp Genetics (formerly Invitae), Labcorp
Classification: Likely benign. Last evaluated: 2020-08-08. Review status: criteria provided, single submitter. Criteria: Invitae Variant Classification Sherloc (09022015). Collection method: clinical testing. Allele origin: germline.

GeneDx
Classification: Likely benign. Last evaluated: 2015-08-19. Review status: criteria provided, single submitter. Criteria: GeneDx Variant Classification (06012015). Collection method: clinical testing. Allele origin: germline. Affected: yes.
Comment: This variant is considered likely benign or benign based on one or more of the following criteria: it is a conservative change, it occurs at a poorly conserved position in the protein, it is predicted to be benign by multiple in silico algorithms, and/or has population frequency not consistent with disease.

Literature cited by the submitters: PubMed 36362125 (cited by Women's Health and Genetics/Laboratory Corporation of America, LabCorp).